The following is an entry in ClinVar:

NM_001174147.2(LMX1B):c.177C>A (p.Cys59Ter)

Gene: LMX1B (LIM homeobox transcription factor 1 beta; plus strand). Cytogenetic location: 9q33.3.
Variant type: single nucleotide variant.
Coding change: c.177C>A on transcript NM_001174147.2 (MANE Select); coding-DNA position 177, C replaced by A.
Protein change: p.Cys59Ter; replaces cysteine 59 with a stop codon.
Molecular consequence: nonsense.
Genome position (GRCh38, 1-based): chr9:126,615,420, C>A. VCF-style: chr9-126615420-C-A. GRCh37 (hg19) VCF-style: chr9-129377699-C-A.
Other names: c.177C>A, p.Cys59Ter (NM_001174146.2, NM_002316.4); short protein forms C59*.
Identifiers: ClinVar variation 3645475 (VCV003645475.2).
Genomic context (GRCh38, chr9:126,615,420, plus strand): 5'-GGCTTTCGCCCTGTGCGCTACAGGCTCCGACTGCCCGCATCCCGCCGTCTGCGAGGGCTG[C>A]CAGCGGCCCATCTCCGACCGCTTCCTGATGCGAGTCAACGAGTCGTCCTGGCACGAGGAG-3'

ClinVar aggregate classification (germline): Pathogenic (1 of 4 stars; one submission).

Submission:

Labcorp Genetics (formerly Invitae), Labcorp
Classification: Pathogenic. Last evaluated: 2024-03-12. Review status: criteria provided, single submitter. Criteria: Invitae Variant Classification Sherloc (09022015). Collection method: clinical testing. Allele origin: germline.
Comment: This sequence change creates a premature translational stop signal (p.Cys59*) in the LMX1B gene. It is expected to result in an absent or disrupted protein product. Loss-of-function variants in LMX1B are known to be pathogenic (PMID: 9590287, 15498463). This variant is not present in population databases (gnomAD no frequency). This variant has not been reported in the literature in individuals affected with LMX1B-related conditions. For these reasons, this variant has been classified as Pathogenic.

Literature cited by the submitters: PubMed 9590287; PubMed 15498463.